The following is an entry in ClinVar:

ClinVar aggregate classification (germline): Uncertain significance (1 of 4 stars; one submission).

Conditions:
CARMIL2-related disorder. Also called: CARMIL2-related condition.

Allele frequency attached by ClinVar (database versions not stated): gnomAD exomes below 0.00001; TOPMed 0.00001.
gnomAD v4.1: 3 of 1,610,304 alleles (0.00019%); highest among the groups gnomAD compares: Non-Finnish European, 0.00025%; no homozygotes.

Submission:

PreventionGenetics, part of Exact Sciences
Classification: Uncertain significance for CARMIL2-related condition. Last evaluated: 2023-01-24. Review status: criteria provided, single submitter. Criteria: ACMG Guidelines, 2015. Collection method: clinical testing. Allele origin: germline.
Comment: The CARMIL2 c.1793C>T variant is predicted to result in the amino acid substitution p.Ala598Val. To our knowledge, this variant has not been reported in the literature or in a large population database, indicating this variant is rare. At this time, the clinical significance of this variant is uncertain due to the absence of conclusive functional and genetic evidence.

NM_001013838.3(CARMIL2):c.1793C>T (p.Ala598Val)

Gene: CARMIL2 (capping protein regulator and myosin 1 linker 2; plus strand). Cytogenetic location: 16q22.1.
Variant type: single nucleotide variant.
Coding change: c.1793C>T on transcript NM_001013838.3 (MANE Select); coding-DNA position 1793, C replaced by T.
Protein change: p.Ala598Val; replaces alanine 598 with valine.
Molecular consequence: missense variant.
Genome position (GRCh38, 1-based): chr16:67,649,493, C>T. VCF-style: chr16-67649493-C-T. GRCh37 (hg19) VCF-style: chr16-67683396-C-T.
Other names: c.1685C>T, p.Ala562Val (NM_001317026.3); short protein forms A562V, A598V.
Identifiers: ClinVar variation 2634984 (VCV002634984.1), dbSNP rs1423689415, ClinGen allele CA396337680.